The following is an entry in ClinVar:

NM_000051.4(ATM):c.4318A>T (p.Lys1440Ter)

Gene: ATM (ATM serine/threonine kinase; plus strand). Cytogenetic location: 11q22.3.
Variant type: single nucleotide variant.
Coding change: c.4318A>T on transcript NM_000051.4 (MANE Select); coding-DNA position 4318, A replaced by T.
Protein change: p.Lys1440Ter; replaces lysine 1440 with a stop codon.
Molecular consequence: nonsense.
Genome position (GRCh38, 1-based): chr11:108,289,683, A>T. VCF-style: chr11-108289683-A-T. GRCh37 (hg19) VCF-style: chr11-108160410-A-T.
Other names: NM_000051.4(ATM):c.4318A>T; p.Lys1440Ter; c.4318A>T, p.Lys1440Ter (NM_001351834.2); short protein forms K1440*.
Identifiers: ClinVar variation 407482 (VCV000407482.23), dbSNP rs1060501551, ClinGen allele CA16613046.

ClinVar aggregate classification (germline): Pathogenic. Review status: reviewed by expert panel (3 of 4 stars). 9 submissions from 9 submitters: Pathogenic (1). 8 of the submissions do not count toward it. Last evaluated 2024-11-26.

Conditions:
ATM-related cancer predisposition. Also called: ATM-related cancer susceptibility. Identifiers: MedGen CN377759, MONDO:0700270.
ATM-related disorder. Also called: ATM-related disorders; ATM-related condition.
Hereditary cancer-predisposing syndrome. Also called: Neoplastic Syndromes, Hereditary; Tumor predisposition; Hereditary Cancer Syndrome; Hereditary neoplastic syndrome. Identifiers: Orphanet 140162, MedGen C0027672, MeSH D009386, MONDO:0015356.
Familial cancer of breast. Also called: hereditary breast carcinoma; BREAST CANCER, FAMILIAL; Hereditary breast cancer. Identifiers: Orphanet 227535, MedGen C0346153, MONDO:0016419, OMIM 114480. Disease mechanism: loss of function.
Ataxia-telangiectasia syndrome (AT). Also called: LOUIS-BAR SYNDROME; Ataxia-telangiectasia, complementation group E; ATAXIA-TELANGIECTASIA, COMPLEMENTATION GROUP A; ATAXIA-TELANGIECTASIA, FRESNO VARIANT; Ataxia-telangiectasia; Ataxia telangiectasia (A-T). Identifiers: Orphanet 100, MedGen C0004135, MONDO:0008840, OMIM 208900.

gnomAD v4.1: 6 of 1,613,442 alleles (0.00037%); highest among the groups gnomAD compares: Non-Finnish European, 0.00051%; no homozygotes.

Submissions (9):

ClinGen Hereditary Breast, Ovarian and Pancreatic Cancer Variant Curation Expert Panel, ClinGen
Classification: Pathogenic for ATM-related cancer predisposition. Last evaluated: 2024-11-26. Review status: reviewed by expert panel. Criteria: ClinGen HBOP ACMG Specifications ATM V1.3.0. Collection method: curation. Allele origin: germline. Inheritance: Autosomal dominant inheritance.
Comment: The c.4318A>T (p.Lys1440*) variant in ATM gene is a nonsense variant predicted to cause a premature stop codon in biologically-relevant-exon leading to nonsense mediated decay in a gene in which loss-of-function is an established disease mechanism. This alteration results in a termination codon upstream of the most C-terminus pathogenic alteration (ATM p.Arg3047*), as classified by the HBOP VCEP, and is expected to be more deleterious. This variant has been detected in at least one individual with Ataxia-Telangiectasia (PMID: 26896183). This variant is absent from gnomAD v2.1.1. In summary, this variant meets criteria to be classified as pathogenic for autosomal dominant ATM-related cancer predisposition and autosomal recessive Ataxia-Telangiectasia based on the ACMG/AMP criteria applied, as specified by the HBOP VCEP. (PVS1, PM5_Supporting, PM3, PM2_Supporting)

Labcorp Genetics (formerly Invitae), Labcorp
Classification: Pathogenic for Ataxia-telangiectasia syndrome. Last evaluated: 2025-12-08. Review status: criteria provided, single submitter. Criteria: Invitae Variant Classification Sherloc (09022015). Collection method: clinical testing. Allele origin: germline. Not counted in ClinVar's aggregate classification.
Comment: This sequence change creates a premature translational stop signal (p.Lys1440*) in the ATM gene. It is expected to result in an absent or disrupted protein product. Loss-of-function variants in ATM are known to be pathogenic (PMID: 23807571, 25614872). This variant is not present in population databases (gnomAD no frequency). This premature translational stop signal has been observed in individual(s) with ataxia telangiectasia (PMID: 9711876). ClinVar contains an entry for this variant (Variation ID: 407482). For these reasons, this variant has been classified as Pathogenic.

Ambry Genetics
Classification: Pathogenic for Hereditary cancer-predisposing syndrome. Last evaluated: 2025-11-06. Review status: criteria provided, single submitter. Criteria: Ambry Variant Classification Scheme 2023. Collection method: clinical testing. Allele origin: germline. Not counted in ClinVar's aggregate classification.
Comment: The p.K1440* pathogenic mutation (also known as c.4318A>T), located in coding exon 28 of the ATM gene, results from an A to T substitution at nucleotide position 4318. This changes the amino acid from a lysine to a stop codon within coding exon 28. This alteration was identified in the homozygous state in an individual diagnosed with ataxia telangiectasia (Sasaki T et al. Hum. Mutat. 1998;12:186-95). In addition to the clinical data presented in the literature, this alteration is expected to result in loss of function by premature protein truncation or nonsense-mediated mRNA decay. As such, this alteration is interpreted as a disease-causing mutation.

Myriad Genetics, Inc.
Classification: Pathogenic for Familial cancer of breast. Last evaluated: 2024-01-24. Review status: criteria provided, single submitter. Criteria: Myriad Autosomal Dominant, Autosomal Recessive and X-Linked Classification Criteria (2023). Collection method: clinical testing. Allele origin: unknown. Not counted in ClinVar's aggregate classification.
Comment: This variant is considered pathogenic. This variant creates a termination codon and is predicted to result in premature protein truncation.

Sema4
Classification: Pathogenic for Hereditary cancer-predisposing syndrome. Last evaluated: 2021-11-27. Review status: criteria provided, single submitter. Criteria: Sema4 Curation Guidelines. Collection method: curation. Allele origin: germline. Not counted in ClinVar's aggregate classification.
Comment: The ATM c.4318A>T (p.K1440X) variant has been reported in 2 individuals with prostate cancer and esophageal carcinoma (PMID: 33436325, 29625052), and in homozygosity in 1 individual with ataxia telangiectasia (PMID: 9711876). This nonsense variant creates a premature stop codon at residue 1440 of the ATM protein. At this location, this alteration is expected to result in loss of function by premature protein truncation or nonsense-mediated mRNA decay. Loss of function variants in ATM are known to be pathogenic (PMID: 31050087). This variant is not reported in the large and broad cohorts of the Genome Aggregation Database (PMID: 32461654). This variant has been reported in ClinVar (Variation ID 407482). Based on the current evidence available, this variant is interpreted as pathogenic.

Blueprint Genetics
Classification: Likely pathogenic for ATM-related disorders. Last evaluated: 2020-04-17. Review status: criteria provided, single submitter. Criteria: ACMG Guidelines, 2015. Collection method: clinical testing. Allele origin: germline. Affected: yes. Observed: 2 variant alleles. Not counted in ClinVar's aggregate classification.

Color Diagnostics, LLC DBA Color Health
Classification: Pathogenic for Hereditary cancer-predisposing syndrome. Last evaluated: 2020-01-15. Review status: criteria provided, single submitter. Criteria: ACMG Guidelines, 2015. Collection method: clinical testing. Allele origin: germline. Not counted in ClinVar's aggregate classification.
Comment: This variant changes 1 nucleotide in exon 29 of the ATM gene, creating a premature translation stop signal. This variant is expected to result in an absent or non-functional protein product. This variant has not been identified in the general population by the Genome Aggregation Database (gnomAD). Loss of ATM function is a known mechanism of disease. Based on the available evidence, this variant is classified as Pathogenic.

GeneDx
Classification: Pathogenic. Last evaluated: 2018-02-28. Review status: criteria provided, single submitter. Criteria: GeneDx Variant Classification (06012015). Collection method: clinical testing. Allele origin: germline. Affected: yes. Not counted in ClinVar's aggregate classification.
Comment: This variant is denoted ATM c.4318A>T at the cDNA level and p.Lys1440Ter (K1440X) at the protein level. The substitution creates a nonsense variant, which changes a Lysine to a premature stop codon (AAA>TAA), and is predicted to cause loss of normal protein function through either protein truncation or nonsense-mediated mRNA decay. This variant has been reported in the homozygous state in an individual with ataxia telangiectasia (Sasaki 1998). We consider ATM Lys1440Ter to be pathogenic.

Counsyl
Classification: Likely pathogenic for Ataxia-telangiectasia syndrome. Last evaluated: 2017-09-05. Review status: no assertion criteria provided. Collection method: clinical testing. Allele origin: unknown. Not counted in ClinVar's aggregate classification.

Literature cited by the submitters: PubMed 23807571 (cited by Labcorp Genetics (formerly Invitae), Labcorp); PubMed 25614872 (cited by Labcorp Genetics (formerly Invitae), Labcorp); PubMed 9711876 (cited by 4 submitters); PubMed 33436325 (cited by Sema4); PubMed 29625052 (cited by Sema4); PubMed 31050087 (cited by Sema4).